The following is an entry in ClinVar:

ClinVar aggregate classification (germline): Uncertain significance. Review status: criteria provided, multiple submitters, no conflicts (2 of 4 stars). 2 submissions from 2 submitters: Uncertain significance (2). Last evaluated 2024-02-01.

Conditions:
BAP1-related tumor predisposition syndrome (TPDS1). Also called: BAP1 tumor predisposition syndrome; Tumor susceptibility linked to germline BAP1 mutations; TUMOR PREDISPOSITION SYNDROME 1; COMMON Syndrome. Identifiers: Orphanet 289539, MedGen C3280492, MONDO:0013692, OMIM 614327.
Hereditary cancer-predisposing syndrome. Also called: Neoplastic Syndromes, Hereditary; Tumor predisposition; Hereditary Cancer Syndrome; Hereditary neoplastic syndrome. Identifiers: Orphanet 140162, MedGen C0027672, MeSH D009386, MONDO:0015356.

Allele frequency attached by ClinVar (database versions not stated): gnomAD exomes below 0.00001.
gnomAD v4.1: 1 of 1,614,124 alleles (0.000062%); highest among the groups gnomAD compares: Non-Finnish European, 0.000085%; no homozygotes.

Submissions (2):

Labcorp Genetics (formerly Invitae), Labcorp
Classification: Uncertain significance for BAP1-related tumor predisposition syndrome. Last evaluated: 2024-02-01. Review status: criteria provided, single submitter. Criteria: Invitae Variant Classification Sherloc (09022015). Collection method: clinical testing. Allele origin: germline.
Comment: This sequence change replaces leucine, which is neutral and non-polar, with valine, which is neutral and non-polar, at codon 343 of the BAP1 protein (p.Leu343Val). This variant is present in population databases (no rsID available, gnomAD 0.0009%). This variant has not been reported in the literature in individuals affected with BAP1-related conditions. ClinVar contains an entry for this variant (Variation ID: 412413). Advanced modeling of protein sequence and biophysical properties (such as structural, functional, and spatial information, amino acid conservation, physicochemical variation, residue mobility, and thermodynamic stability) performed at Invitae indicates that this missense variant is not expected to disrupt BAP1 protein function with a negative predictive value of 80%. In summary, the available evidence is currently insufficient to determine the role of this variant in disease. Therefore, it has been classified as a Variant of Uncertain Significance.

Ambry Genetics
Classification: Uncertain significance for Hereditary cancer-predisposing syndrome. Last evaluated: 2022-07-28. Review status: criteria provided, single submitter. Criteria: Ambry Variant Classification Scheme 2023. Collection method: clinical testing. Allele origin: germline.
Comment: The p.L343V variant (also known as c.1027C>G), located in coding exon 11 of the BAP1 gene, results from a C to G substitution at nucleotide position 1027. The leucine at codon 343 is replaced by valine, an amino acid with highly similar properties. This amino acid position is conserved. In addition, this alteration is predicted to be tolerated by in silico analysis. Since supporting evidence is limited at this time, the clinical significance of this alteration remains unclear.

NM_004656.4(BAP1):c.1027C>G (p.Leu343Val)

Gene: BAP1 (BRCA1 associated deubiquitinase 1; minus strand). Cytogenetic location: 3p21.1.
Variant type: single nucleotide variant.
Coding change: c.1027C>G on transcript NM_004656.4 (MANE Select); coding-DNA position 1027, C replaced by G.
Protein change: p.Leu343Val; replaces leucine 343 with valine.
Molecular consequence: missense variant.
Genome position (GRCh38, 1-based): chr3:52,405,199, G>C on the plus strand (C>G on the coding strand, the complement: BAP1 is on the minus strand). VCF-style: chr3-52405199-G-C. GRCh37 (hg19) VCF-style: chr3-52439215-G-C.
Other names: short protein forms L343V.
Identifiers: ClinVar variation 412413 (VCV000412413.10), dbSNP rs1060503734, ClinGen allele CA16611344.